The following is an entry in ClinVar:

ClinVar aggregate classification (germline): Uncertain significance (1 of 4 stars; one submission).

Submission:

Greenwood Genetic Center Diagnostic Laboratories, Greenwood Genetic Center
Classification: Uncertain significance. Last evaluated: 2023-07-03. Review status: criteria provided, single submitter. Criteria: ACMG Guidelines, 2015. Collection method: clinical testing. Allele origin: germline. Affected: yes.
Comment: Gene of Uncertain Significance

NM_001395159.1(UNC79):c.5933-1G>A

Gene: UNC79 (unc-79 homolog, NALCN channel complex subunit; plus strand). Cytogenetic location: 14q32.12.
Variant type: single nucleotide variant.
Coding change: c.5933-1G>A on transcript NM_001395159.1 (MANE Select); the canonical splice acceptor site of the intron before coding-DNA position 5933, G replaced by A.
Molecular consequence: splice acceptor variant.
Genome position (GRCh38, 1-based): chr14:93,634,520, G>A. VCF-style: chr14-93634520-G-A. GRCh37 (hg19) VCF-style: chr14-94100866-G-A.
Other names: c.5186-1G>A (NM_020818.5); c.5867-1G>A (NM_001346218.2).
Identifiers: ClinVar variation 2626982 (VCV002626982.1), dbSNP rs2549526957, ClinGen allele CA390797902.